The following is an entry in ClinVar:

ClinVar aggregate classification (germline): Uncertain significance (1 of 4 stars; one submission).

Submission:

Labcorp Genetics (formerly Invitae), Labcorp
Classification: Uncertain significance. Last evaluated: 2021-02-05. Review status: criteria provided, single submitter. Criteria: Invitae Variant Classification Sherloc (09022015). Collection method: clinical testing. Allele origin: germline.
Comment: This variant is not present in population databases (ExAC no frequency). In summary, the available evidence is currently insufficient to determine the role of this variant in disease. Therefore, it has been classified as a Variant of Uncertain Significance. Algorithms developed to predict the effect of missense changes on protein structure and function are either unavailable or do not agree on the potential impact of this missense change (SIFT: "Deleterious"; PolyPhen-2: "Possibly Damaging"; Align-GVGD: "Class C0"). This variant has not been reported in the literature in individuals with POLE-related conditions. This sequence change replaces proline with alanine at codon 452 of the POLE protein (p.Pro452Ala). The proline residue is highly conserved and there is a small physicochemical difference between proline and alanine.

NM_006231.4(POLE):c.1354C>G (p.Pro452Ala)

Gene: POLE (DNA polymerase epsilon, catalytic subunit; minus strand). Cytogenetic location: 12q24.33.
Variant type: single nucleotide variant.
Coding change: c.1354C>G on transcript NM_006231.4 (MANE Select); coding-DNA position 1354, C replaced by G.
Protein change: p.Pro452Ala; replaces proline 452 with alanine.
Molecular consequence: missense variant.
Genome position (GRCh38, 1-based): chr12:132,673,580, G>C on the plus strand (C>G on the coding strand, the complement: POLE is on the minus strand). VCF-style: chr12-132673580-G-C. GRCh37 (hg19) VCF-style: chr12-133250166-G-C.
Other names: short protein forms P452A.
Identifiers: ClinVar variation 1478052 (VCV001478052.8), dbSNP rs1555228573, ClinGen allele CA387359082.
Genomic context (GRCh38, chr12:132,673,580, plus strand): 5'-GCCATCTGGATGCGTGCACACGGCAGCAGGGGCAGCCGGGATGTGGCTTACGTGCCTGGG[G>C]CTGCTCCGTGGCCATCCGGCACATGTCCTCCGGGTCTAGCTCCACGGGATCATAGCCTAG-3'
Protein context (NP_006222.2, residues 442-462): EDMCRMATEQ[Pro452Ala]QTLATYSVSD